The following is an entry in ClinVar:

NM_153252.5(BRWD3):c.1716A>C (p.Val572=)

Gene: BRWD3 (bromodomain and WD repeat domain containing 3; minus strand). Cytogenetic location: Xq21.1.
Variant type: single nucleotide variant.
Coding change: c.1716A>C on transcript NM_153252.5 (MANE Select); coding-DNA position 1716, A replaced by C.
Protein change: p.Val572=; no amino-acid change (valine 572 retained).
Molecular consequence: synonymous variant.
Genome position (GRCh38, 1-based): chrX:80,722,722, T>G on the plus strand (A>C on the coding strand, the complement: BRWD3 is on the minus strand). VCF-style: chrX-80722722-T-G. GRCh37 (hg19) VCF-style: chrX-79978221-T-G.
Identifiers: ClinVar variation 2660986 (VCV002660986.27), dbSNP rs754836438, ClinGen allele CA10462137.

ClinVar aggregate classification (germline): Benign/Likely benign. Review status: criteria provided, multiple submitters, no conflicts (2 of 4 stars). 2 submissions from 2 submitters: Benign (1); Likely benign (1). Last evaluated 2025-06-06.

Allele frequency attached by ClinVar (database versions not stated): gnomAD exomes 0.00001; ExAC 0.00002; TOPMed 0.00009; gnomAD 0.00013.
gnomAD v4.1: 24 of 1,209,205 alleles (0.002%); highest among the groups gnomAD compares: African/African-American, 0.042%; no homozygotes.

Submissions (2):

Labcorp Genetics (formerly Invitae), Labcorp
Classification: Benign. Last evaluated: 2025-06-06. Review status: criteria provided, single submitter. Criteria: Invitae Variant Classification Sherloc (09022015). Collection method: clinical testing. Allele origin: germline.

CeGaT Center for Human Genetics Tuebingen
Classification: Likely benign. Last evaluated: 2022-09-01. Review status: criteria provided, single submitter. Criteria: CeGaT Center For Human Genetics Tuebingen Variant Classification Criteria Version 2. Collection method: clinical testing. Allele origin: germline. Affected: yes. Observed: 1 variant allele.
Comment: BRWD3: BP4, BP7